The following is an entry in ClinVar:

ClinVar aggregate classification (germline): Pathogenic (1 of 4 stars; one submission).

Conditions:
Gorlin syndrome. Also called: Basal cell nevus syndrome; Nevoid Basal Cell Carcinoma Syndrome. Identifiers: Orphanet 377, MedGen C0004779, MONDO:0007187.

Submission:

Medical Genetics Laboratory, West China Hospital, Sichuan University
Classification: Pathogenic for Gorlin syndrome. Review status: criteria provided, single submitter. Criteria: ACMG Guidelines, 2015. Collection method: clinical testing. Allele origin: germline. Inheritance: Autosomal dominant inheritance. Affected: yes.
Comment: The variant is expected to cause frame-shift and likely results in an absent or disrupted protein product. This variant is not present in population databases (ExAC no frequency). This variant has not been reported in the literature in individuals with PTCH1-related conditions.

NM_000264.5(PTCH1):c.2256_2259del (p.Val753fs)

Genes: PTCH1 (patched 1; minus strand), LOC100507346 (uncharacterized LOC100507346; plus strand). Cytogenetic location: 9q22.32.
Variant type: Deletion.
Coding change: c.2256_2259del on transcript NM_000264.5 (MANE Select); coding-DNA positions 2256 to 2259, 4 bases deleted (GGTG; older notation c.2256_2259delGGTG).
Protein change: p.Val753fs; shifts the reading frame from valine 753.
Molecular consequence: frameshift variant. On other transcripts: non-coding transcript variant (1).
Genome position (GRCh38, 1-based): chr9:95,467,417-95,467,420, CACC deleted on the plus strand (GGTG on the coding strand, the reverse complement: PTCH1 is on the minus strand). VCF-style (leftmost placement, unchanged base first): chr9-95467416-TCACC-T. GRCh37 (hg19) VCF-style: chr9-98229698-TCACC-T.
Other names: c.2058_2061del, p.Val687fs (NM_001083602.3); c.2253_2256del, p.Val752fs (NM_001083603.3); c.1803_1806del, p.Val602fs (NM_001083604.3, NM_001083605.3, NM_001083606.3 and 1 more transcripts); c.2100_2103del, p.Val701fs (NM_001354918.2); short protein forms V602fs, V687fs, V701fs, V752fs, V753fs.
Identifiers: ClinVar variation 978219 (VCV000978219.1), dbSNP rs1840114155, ClinGen allele CA1139659357.
Genomic context (GRCh38, chr9:95,467,416, plus strand): 5'-CGTCTCTCACTCGGGTGGTGCCATAAAGGCTGACCCCCAGCAAGCCCAGAAAAAGGAAGA[TCACC>T]ACTACCTGGAACAGAAGAGGCACAAGGTCAGACCCCAGGGAGCACCACTGACTCTTCCTG-3'